The following is an entry in ClinVar:

ClinVar aggregate classification (germline): Likely benign. Review status: criteria provided, multiple submitters, no conflicts (2 of 4 stars). 3 submissions from 3 submitters: Likely benign (2). 1 of the submissions does not count toward it. Last evaluated 2025-11-01.

Conditions:
GPR179-related disorder. Also called: GPR179-related condition.

Allele frequency attached by ClinVar (database versions not stated): TOPMed below 0.00001; gnomAD 0.00001.

Submissions (3):

Labcorp Genetics (formerly Invitae), Labcorp
Classification: Likely benign. Last evaluated: 2025-11-01. Review status: criteria provided, single submitter. Criteria: Invitae Variant Classification Sherloc (09022015). Collection method: clinical testing. Allele origin: germline.

Blueprint Genetics
Classification: Likely benign. Last evaluated: 2022-05-27. Review status: criteria provided, single submitter. Criteria: ACMG Guidelines, 2015. Collection method: clinical testing. Allele origin: germline.

PreventionGenetics, part of Exact Sciences
Classification: Likely benign for GPR179-related condition. Last evaluated: 2019-11-19. Review status: no assertion criteria provided. Collection method: clinical testing. Allele origin: germline. Not counted in ClinVar's aggregate classification.
Comment: This variant is classified as likely benign based on ACMG/AMP sequence variant interpretation guidelines (Richards et al. 2015 PMID: 25741868, with internal and published modifications).

NM_001004334.4(GPR179):c.930T>C (p.Phe310=)

Gene: GPR179 (G protein-coupled receptor 179; minus strand). Cytogenetic location: 17q12.
Variant type: single nucleotide variant.
Coding change: c.930T>C on transcript NM_001004334.4 (MANE Select); coding-DNA position 930, T replaced by C.
Protein change: p.Phe310=; no amino-acid change (phenylalanine 310 retained).
Molecular consequence: synonymous variant.
Genome position (GRCh38, 1-based): chr17:38,337,694, A>G on the plus strand (T>C on the coding strand, the complement: GPR179 is on the minus strand). VCF-style: chr17-38337694-A-G. GRCh37 (hg19) VCF-style: chr17-36493577-A-G.
Other names: c.930T>C (NM_001004334.3).
Identifiers: ClinVar variation 2865217 (VCV002865217.6), dbSNP rs1486324646, ClinGen allele CA771716628.
Genomic context (GRCh38, chr17:38,337,694, plus strand): 5'-CCCAGAGGGGCTTGCCCCGTAGAATCCAGGTCGGCAGCGGCAGAGGTAGCGGCCAAGAAC[A>G]AAGCCCTGACTCTCCAGGGGGACACACTATGGGGACAACAAACACAGTATGTGTTTATGT-3'
Protein context (NP_001004334.3, residues 300-320): TQCVPLESQG[Phe310=]VLGRYLCRCR